The following is an entry in ClinVar:

ClinVar aggregate classification (germline): Pathogenic. Review status: criteria provided, multiple submitters, no conflicts (2 of 4 stars). 6 submissions from 6 submitters: Pathogenic (6). Last evaluated 2024-12-27.

Conditions:
Glycogen storage disease, type VI (GSD6). Also called: Glycogen storage disease type 6; Hepatic glycogen phosphorylase deficiency; HERS DISEASE; PHOSPHORYLASE DEFICIENCY GLYCOGEN-STORAGE DISEASE OF LIVER; Glycogen storage disease type 6, due to phosphorylation; GSD VI. Identifiers: Orphanet 369, MedGen C0017925, MONDO:0009294, OMIM 232700.

Allele frequency attached by ClinVar (database versions not stated): 1000 Genomes Project 30x 0.00016; 1000 Genomes Project 0.00020.
gnomAD v4.1: 5 of 1,613,834 alleles (0.00031%); highest among the groups gnomAD compares: South Asian, 0.0055%; no homozygotes.

Submissions (6):

Women's Health and Genetics/Laboratory Corporation of America, LabCorp
Classification: Pathogenic for Glycogen storage disease, type VI. Last evaluated: 2024-12-27. Review status: criteria provided, single submitter. Criteria: LabCorp Variant Classification Summary - May 2015. Collection method: clinical testing. Allele origin: germline.
Comment: Variant summary: PYGL c.1620+1G>C is located in a canonical splice-site and is predicted to affect mRNA splicing resulting in a significantly altered protein due to either exon skipping, shortening, or inclusion of intronic material. Variants that disrupt the consensus splice site are a relatively common cause of aberrant splicing and loss of PYGL function. Several computational tools predict a significant impact on normal splicing: Four predict the variant abolishes a 5' splicing donor site. However, these predictions have yet to be confirmed by functional studies. The variant allele was found at a frequency of 8e-06 in 251208 control chromosomes. c.1620+1G>C has been reported in the literature in multiple homozygous or compound heterozygous individuals affected with Glycogen storage disease, type VI (e.g. Davit-Spraul_2011, Kumar_2022). These data indicate that the variant is very likely to be associated with disease. To our knowledge, no experimental evidence demonstrating an impact on protein function has been reported. The following publications have been ascertained in the context of this evaluation (PMID: 21646031, 35834487). ClinVar contains an entry for this variant (Variation ID: 998110). Based on the evidence outlined above, the variant was classified as pathogenic.

Revvity Omics, Revvity
Classification: Pathogenic for Glycogen storage disease, type VI. Last evaluated: 2023-09-11. Review status: criteria provided, single submitter. Criteria: ACMG Guidelines, 2015. Collection method: clinical testing. Allele origin: germline.

Centre for Human Genetics
Classification: Pathogenic for Glycogen storage disease, type VI. Last evaluated: 2020-08-27. Review status: criteria provided, single submitter. Criteria: ACMG Guidelines, 2015. Collection method: clinical testing. Allele origin: inherited. Inheritance: Autosomal recessive inheritance. Affected: yes. Observed: 5 variant alleles.
Comment: disease causing

Kasturba Medical College, Manipal, Kasturba Medical College, Manipal, Manipal Academy of Higher Education, Manipal, India
Classification: Pathogenic for Glycogen storage disease, type VI. Review status: criteria provided, single submitter. Criteria: ACMG Guidelines, 2015. Collection method: research. Allele origin: biparental. Inheritance: Autosomal recessive inheritance. Affected: yes. Observed: 1 homozygote.
Comment: This variant is present in five individuals in heterozygous state and absent in homozygous state in gnomAD population database (v4.1.0). This variant is present in four individuals in heterozygous state and absent in homozygous state in our in-house database of 3518 exomes. This variant is reported in ClinVar database as pathogenic by four submitters (Accession: VCV000998110.12). This canonical splice-site variant is likely to result in aberrant splicing which may lead to either the formation of a truncated protein product or the transcript to undergo nonsense mediated mRNA decay.

Neuberg Centre For Genomic Medicine, NCGM
Classification: Pathogenic for Glycogen storage disease, type VI. Review status: criteria provided, single submitter. Criteria: ACMG Guidelines, 2015. Collection method: clinical testing. Allele origin: germline. Inheritance: Autosomal recessive inheritance. Affected: yes.
Comment: The invariant splice donor c.1620+1G>C in PYGL gene has been previously reported in homozygous and compound heterozygous state in multiple individuals affected with Glycogen storage disease (Kumar TV et al. 2022; Davit-Spraul A et al. 2011). The c.1620+1G>C variant is present with allele frequency of 0.0008% in gnomAD Exomes. This variant has been submitted to the ClinVar database as Pathogenic (multiple individuals). SpliceAI predicts this variant to cause splice donor loss (score-1). Loss of function variants have been previously reported to be disease causing. For these reasons, this variant has been classified as Pathogenic.

Suma Genomics
Classification: Pathogenic for Glycogen storage disease, type VI. Review status: criteria provided, single submitter. Criteria: ACMG Guidelines, 2015. Collection method: clinical testing. Allele origin: inherited. Inheritance: Autosomal recessive inheritance. Affected: yes.

Literature cited by the submitters: PubMed 21646031 (cited by Women's Health and Genetics/Laboratory Corporation of America, LabCorp and Kasturba Medical College, Manipal, Kasturba Medical College, Manipal, Manipal Academy of Higher Education, Manipal, India); PubMed 35834487 (cited by Women's Health and Genetics/Laboratory Corporation of America, LabCorp and Kasturba Medical College, Manipal, Kasturba Medical College, Manipal, Manipal Academy of Higher Education, Manipal, India).

NM_002863.5(PYGL):c.1620+1G>C

Gene: PYGL (glycogen phosphorylase L; minus strand). Cytogenetic location: 14q22.1.
Variant type: single nucleotide variant.
Coding change: c.1620+1G>C on transcript NM_002863.5 (MANE Select); the canonical splice donor site of the intron after coding-DNA position 1620, G replaced by C.
Molecular consequence: splice donor variant.
Genome position (GRCh38, 1-based): chr14:50,913,028, C>G on the plus strand (G>C on the coding strand, the complement: PYGL is on the minus strand). VCF-style: chr14-50913028-C-G. GRCh37 (hg19) VCF-style: chr14-51379746-C-G.
Other names: c.1518+1G>C (NM_001163940.2); c.1620+1G>C (NM_002863.4).
Identifiers: ClinVar variation 998110 (VCV000998110.15), dbSNP rs113993981, ClinGen allele CA7183418.